The following is an entry in ClinVar:

ClinVar aggregate classification (germline): Uncertain significance. Review status: criteria provided, multiple submitters, no conflicts (2 of 4 stars). 3 submissions from 3 submitters: Uncertain significance (3). Last evaluated 2025-10-21.

Conditions:
Hereditary cancer-predisposing syndrome. Also called: Hereditary neoplastic syndrome; Hereditary Cancer Syndrome; Neoplastic Syndromes, Hereditary; Tumor predisposition. Identifiers: Orphanet 140162, MedGen C0027672, MeSH D009386, MONDO:0015356.
Ataxia-telangiectasia syndrome (AT). Also called: Cerebello-oculocutaneous telangiectasia; Immunodeficiency with ataxia telangiectasia; Ataxia telangiectasia (A-T); Ataxia-telangiectasia, complementation group E; LOUIS-BAR SYNDROME; Ataxia-telangiectasia, complementation group D. Identifiers: Orphanet 100, MedGen C0004135, MONDO:0008840, OMIM 208900.

Allele frequency attached by ClinVar (database versions not stated): gnomAD exomes below 0.00001.
gnomAD v4.1: 1 of 1,613,916 alleles (0.000062%); highest among the groups gnomAD compares: African/African-American, 0.0013%; no homozygotes.

Submissions (3):

Quest Diagnostics Nichols Institute San Juan Capistrano
Classification: Uncertain significance. Last evaluated: 2025-10-21. Review status: criteria provided, single submitter. Criteria: Quest Diagnostics criteria. Collection method: clinical testing. Allele origin: unknown.

Labcorp Genetics (formerly Invitae), Labcorp
Classification: Uncertain significance for Ataxia-telangiectasia syndrome. Last evaluated: 2025-09-20. Review status: criteria provided, single submitter. Criteria: Invitae Variant Classification Sherloc (09022015). Collection method: clinical testing. Allele origin: germline.
Comment: This sequence change replaces cysteine, which is neutral and slightly polar, with phenylalanine, which is neutral and non-polar, at codon 564 of the ATM protein (p.Cys564Phe). This variant is not present in population databases (gnomAD no frequency). This variant has not been reported in the literature in individuals affected with ATM-related conditions. ClinVar contains an entry for this variant (Variation ID: 2740555). Invitae Evidence Modeling of protein sequence and biophysical properties (such as structural, functional, and spatial information, amino acid conservation, physicochemical variation, residue mobility, and thermodynamic stability) indicates that this missense variant is not expected to disrupt ATM protein function with a negative predictive value of 95%. In summary, the available evidence is currently insufficient to determine the role of this variant in disease. Therefore, it has been classified as a Variant of Uncertain Significance.

Ambry Genetics
Classification: Uncertain significance for Hereditary cancer-predisposing syndrome. Last evaluated: 2025-06-07. Review status: criteria provided, single submitter. Criteria: Ambry Variant Classification Scheme 2023. Collection method: clinical testing. Allele origin: germline.
Comment: The p.C564F variant (also known as c.1691G>T), located in coding exon 10 of the ATM gene, results from a G to T substitution at nucleotide position 1691. The cysteine at codon 564 is replaced by phenylalanine, an amino acid with highly dissimilar properties. This amino acid position is conserved. In addition, this alteration is predicted to be tolerated by in silico analysis. Based on the available evidence, the clinical significance of this variant remains unclear.

NM_000051.4(ATM):c.1691G>T (p.Cys564Phe)

Gene: ATM (ATM serine/threonine kinase; plus strand). Cytogenetic location: 11q22.3.
Variant type: single nucleotide variant.
Coding change: c.1691G>T on transcript NM_000051.4 (MANE Select); coding-DNA position 1691, G replaced by T.
Protein change: p.Cys564Phe; replaces cysteine 564 with phenylalanine.
Molecular consequence: missense variant.
Genome position (GRCh38, 1-based): chr11:108,251,920, G>T. VCF-style: chr11-108251920-G-T. GRCh37 (hg19) VCF-style: chr11-108122647-G-T.
Other names: c.1691G>T, p.Cys564Phe (NM_001351834.2); short protein forms C564F.
Identifiers: ClinVar variation 2740555 (VCV002740555.4), dbSNP rs2135341314, ClinGen allele CA382535212.